The following is an entry in ClinVar:

ClinVar aggregate classification (germline): Uncertain significance (1 of 4 stars; one submission).

Allele frequency attached by ClinVar (database versions not stated): TOPMed below 0.00001; gnomAD 0.00001; gnomAD exomes 0.00001.
gnomAD v4.1: 8 of 1,605,828 alleles (0.0005%); highest among the groups gnomAD compares: Non-Finnish European, 0.00068%; no homozygotes.

Submission:

Labcorp Genetics (formerly Invitae), Labcorp
Classification: Uncertain significance. Last evaluated: 2022-07-05. Review status: criteria provided, single submitter. Criteria: Invitae Variant Classification Sherloc (09022015). Collection method: clinical testing. Allele origin: germline.
Comment: This sequence change replaces lysine, which is basic and polar, with threonine, which is neutral and polar, at codon 247 of the GALNT3 protein (p.Lys247Thr). This variant is not present in population databases (gnomAD no frequency). This variant has not been reported in the literature in individuals affected with GALNT3-related conditions. Algorithms developed to predict the effect of missense changes on protein structure and function are either unavailable or do not agree on the potential impact of this missense change (SIFT: "Deleterious"; PolyPhen-2: "Possibly Damaging"; Align-GVGD: "Class C0"). In summary, the available evidence is currently insufficient to determine the role of this variant in disease. Therefore, it has been classified as a Variant of Uncertain Significance.

NM_004482.4(GALNT3):c.740A>C (p.Lys247Thr)

Gene: GALNT3 (polypeptide N-acetylgalactosaminyltransferase 3; minus strand). Cytogenetic location: 2q24.3.
Variant type: single nucleotide variant.
Coding change: c.740A>C on transcript NM_004482.4 (MANE Select); coding-DNA position 740, A replaced by C.
Protein change: p.Lys247Thr; replaces lysine 247 with threonine.
Molecular consequence: missense variant.
Genome position (GRCh38, 1-based): chr2:165,762,003, T>G on the plus strand (A>C on the coding strand, the complement: GALNT3 is on the minus strand). VCF-style: chr2-165762003-T-G. GRCh37 (hg19) VCF-style: chr2-166618513-T-G.
Other names: short protein forms K247T.
Identifiers: ClinVar variation 2183883 (VCV002183883.1), dbSNP rs1558997901, ClinGen allele CA349040166.